The following is an entry in ClinVar:

NM_017654.4(SAMD9):c.301del (p.Val101fs)

Gene: SAMD9 (sterile alpha motif domain containing 9; minus strand). Cytogenetic location: 7q21.2.
Variant type: Deletion.
Coding change: c.301del on transcript NM_017654.4 (MANE Select); coding-DNA position 301, one base deleted (G; older notation c.301delG).
Protein change: p.Val101fs; shifts the reading frame from valine 101.
Molecular consequence: frameshift variant.
Genome position (GRCh38, 1-based): chr7:93,105,797, C deleted on the plus strand (G on the coding strand, the reverse complement: SAMD9 is on the minus strand). VCF-style (leftmost placement, unchanged base first): chr7-93105796-AC-A. GRCh37 (hg19) VCF-style: chr7-92735109-AC-A.
Other names: c.301del, p.Val101fs (NM_001193307.2); short protein forms V101fs.
Identifiers: ClinVar variation 5004384 (VCV005004384.1).
Genomic context (GRCh38, chr7:93,105,796, plus strand): 5'-TCTGGGTTCTCTTTACCCTTTTGTTTTTGCTTTGAAGTTTCTCTACGTTCCTTTTGAGAC[AC>A]AGTTTGGTCTTTAGGAGCATTTTTACTGGGCTTTCCCATCTTAGATGTCTGAATCGAATC-3'

ClinVar aggregate classification (germline): Uncertain significance (1 of 4 stars; one submission).

Conditions:
Normophosphatemic familial tumoral calcinosis. Also called: CALCINOSIS, TUMORAL, WITH NORMOPHOSPHATEMIA. Identifiers: Orphanet 306658, Orphanet 53715, MedGen C1864861, MONDO:0012502, OMIM 610455.

Submission:

Myriad Genetics, Inc.
Classification: Uncertain significance for Normophosphatemic familial tumoral calcinosis. Last evaluated: 2026-01-14. Review status: criteria provided, single submitter. Criteria: Myriad Autosomal Dominant, Autosomal Recessive and X-Linked Classification Criteria (2023). Collection method: clinical testing. Allele origin: unknown.
Comment: NM_017654.3(SAMD9):c.301delG(V101Cfs*28) is a frameshift variant classified as a variant of uncertain significance in the context of normophosphatemic familial tumoral calcinosis. V101Cfs*28 has not been observed in cases with relevant disease. Relevant functional assessments of this variant are not available in the literature. V101Cfs*28 has not been observed in referenced population frequency databases. In summary, there is insufficient evidence to classify NM_017654.3(SAMD9):c.301delG(V101Cfs*28) as pathogenic or benign. Please note: this variant was assessed in the context of healthy population screening.